The following is an entry in ClinVar:

Conditions:
Breast-ovarian cancer, familial, susceptibility to, 1 (BROVCA1). Also called: BRCA1 Hereditary Breast and Ovarian Cancer; OVARIAN CANCER, SUSCEPTIBILITY TO. Identifiers: Orphanet 145, MedGen C2676676, MONDO:0011450, OMIM 604370. Disease mechanism: loss of function.

Submission:

Brotman Baty Institute, University of Washington
No classification provided (evidence only). Condition: Breast-ovarian cancer, familial 1. Review status: no classification provided. Collection method: in vitro. Allele origin: not applicable. Functional consequence: function_uncertain_variant.
ClinVar note: "not provided" was previously submitted as the classification for the variant. However, the classification appeared to be based only on an observation of functional data so it was converted to no classification on 2025-07-30.

NM_007294.4(BRCA1):c.5006C>A (p.Ala1669Asp)

Gene: BRCA1 (BRCA1 DNA repair associated; minus strand). Cytogenetic location: 17q21.31.
Variant type: single nucleotide variant.
Coding change: c.5006C>A on transcript NM_007294.4 (MANE Select); coding-DNA position 5006, C replaced by A.
Protein change: p.Ala1669Asp; replaces alanine 1669 with aspartic acid.
Molecular consequence: missense variant. On other transcripts: non-coding transcript variant (1).
Genome position (GRCh38, 1-based): chr17:43,067,676, G>T on the plus strand (C>A on the coding strand, the complement: BRCA1 is on the minus strand). VCF-style: chr17-43067676-G-T. GRCh37 (hg19) VCF-style: chr17-41219693-G-T.
Other names: c.4793C>A, p.Ala1598Asp (NM_001407571.1, NM_001407894.1, NM_001407895.1 and 12 more transcripts); c.5072C>A, p.Ala1691Asp (NM_001407581.1, NM_001407582.1); c.5069C>A, p.Ala1690Asp (NM_001407583.1, NM_001407585.1, NM_001407587.1 and 1 more transcripts); c.5066C>A, p.Ala1689Asp (NM_001407590.1, NM_001407591.1); c.5006C>A, p.Ala1669Asp (NM_001407593.1, NM_001407594.1, NM_001407596.1 and 8 more transcripts); c.5003C>A, p.Ala1668Asp (NM_001407617.1, NM_001407618.1, NM_001407619.1 and 17 more transcripts); c.5000C>A, p.Ala1667Asp (NM_001407636.1, NM_001407637.1, NM_001407638.1 and 14 more transcripts); c.4997C>A, p.Ala1666Asp (NM_001407644.1, NM_001407645.1); and 70 more; short protein forms A565D, A1622D, A1690D, A1669D, A519D, A527D, A587D, A1373D.
Identifiers: ClinVar variation 868919 (VCV000868919.3), dbSNP rs1057518640, ClinGen allele CA10591508.